The following is an entry in ClinVar:

ClinVar aggregate classification (germline): Uncertain significance (1 of 4 stars; one submission).

Allele frequency attached by ClinVar (database versions not stated): ExAC 0.00001.
gnomAD v4.1: 5 of 1,613,898 alleles (0.00031%); highest among the groups gnomAD compares: Admixed American, 0.005%; no homozygotes.

Submission:

Labcorp Genetics (formerly Invitae), Labcorp
Classification: Uncertain significance. Last evaluated: 2025-07-13. Review status: criteria provided, single submitter. Criteria: Invitae Variant Classification Sherloc (09022015). Collection method: clinical testing. Allele origin: germline.
Comment: This sequence change replaces methionine, which is neutral and non-polar, with valine, which is neutral and non-polar, at codon 502 of the ALPK3 protein (p.Met502Val). This variant is present in population databases (rs746987741, gnomAD 0.006%). This variant has not been reported in the literature in individuals affected with ALPK3-related conditions. ClinVar contains an entry for this variant (Variation ID: 1984745). Invitae Evidence Modeling of protein sequence and biophysical properties (such as structural, functional, and spatial information, amino acid conservation, physicochemical variation, residue mobility, and thermodynamic stability) indicates that this missense variant is not expected to disrupt ALPK3 protein function with a negative predictive value of 80%. In summary, the available evidence is currently insufficient to determine the role of this variant in disease. Therefore, it has been classified as a Variant of Uncertain Significance.

NM_020778.5(ALPK3):c.898A>G (p.Met300Val)

Gene: ALPK3 (alpha kinase 3; plus strand). Cytogenetic location: 15q25.3.
Variant type: single nucleotide variant.
Coding change: c.898A>G on transcript NM_020778.5 (MANE Select); coding-DNA position 898, A replaced by G.
Protein change: p.Met300Val; replaces methionine 300 with valine.
Molecular consequence: missense variant.
Genome position (GRCh38, 1-based): chr15:84,840,177, A>G. VCF-style: chr15-84840177-A-G. GRCh37 (hg19) VCF-style: chr15-85383408-A-G.
Other names: short protein forms M300V.
Identifiers: ClinVar variation 1984745 (VCV001984745.4), dbSNP rs746987741, ClinGen allele CA7709093.